The following is an entry in ClinVar:

ClinVar aggregate classification (germline): Pathogenic (1 of 4 stars; one submission).

Submission:

Labcorp Genetics (formerly Invitae), Labcorp
Classification: Pathogenic. Last evaluated: 2022-05-29. Review status: criteria provided, single submitter. Criteria: Invitae Variant Classification Sherloc (09022015). Collection method: clinical testing. Allele origin: germline.
Comment: This variant has not been reported in the literature in individuals affected with SRCAP-related conditions. This sequence change creates a premature translational stop signal (p.Gln2407Argfs*35) in the SRCAP gene. While this is not anticipated to result in nonsense mediated decay, it is expected to disrupt the last 824 amino acid(s) of the SRCAP protein. This variant is not present in population databases (gnomAD no frequency). This variant disrupts a region of the SRCAP protein in which other variant(s) (p.Gln3043Alafs*9) have been determined to be pathogenic (PMID: 33909990). This suggests that this is a clinically significant region of the protein, and that variants that disrupt it are likely to be disease-causing. For these reasons, this variant has been classified as Pathogenic.

Literature cited by the submitters: PubMed 33909990.

NM_006662.3(SRCAP):c.7220_7221del (p.Gln2407fs)

Gene: SRCAP (Snf2 related CREBBP activator protein; plus strand). Cytogenetic location: 16p11.2.
Variant type: Deletion.
Coding change: c.7220_7221del on transcript NM_006662.3 (MANE Select); coding-DNA positions 7220 to 7221, 2 bases deleted (AA; older notation c.7220_7221delAA).
Protein change: p.Gln2407fs; shifts the reading frame from glutamine 2407.
Molecular consequence: frameshift variant.
Genome position (GRCh38, 1-based): chr16:30,737,260-30,737,261, AA deleted. VCF-style (leftmost placement, unchanged base first): chr16-30737259-CAA-C. GRCh37 (hg19) VCF-style: chr16-30748580-CAA-C.
Other names: short protein forms Q2407fs.
Identifiers: ClinVar variation 2000537 (VCV002000537.4), dbSNP rs2506726285, ClinGen allele CA2580091479.